The following is an entry in ClinVar:

ClinVar aggregate classification (germline): Conflicting classifications of pathogenicity. Review status: criteria provided, conflicting classifications (1 of 4 stars). 3 submissions from 3 submitters: Uncertain significance (2); Likely benign (1). Last evaluated 2024-08-01.

Conditions:
Hereditary cancer-predisposing syndrome. Also called: Tumor predisposition; Hereditary Cancer Syndrome; Hereditary neoplastic syndrome; Neoplastic Syndromes, Hereditary. Identifiers: Orphanet 140162, MedGen C0027672, MeSH D009386, MONDO:0015356.
Familial melanoma. Also called: Hereditary melanoma; Hereditary cutaneous melanoma. Identifiers: Orphanet 618, MedGen C1512419, MONDO:0018961.

Submissions (3):

Ambry Genetics
Classification: Likely benign for Hereditary cancer-predisposing syndrome. Last evaluated: 2024-08-01. Review status: criteria provided, single submitter. Criteria: Ambry Variant Classification Scheme 2023. Collection method: clinical testing. Allele origin: germline.

Labcorp Genetics (formerly Invitae), Labcorp
Classification: Uncertain significance for Familial melanoma. Last evaluated: 2021-09-16. Review status: criteria provided, single submitter. Criteria: Invitae Variant Classification Sherloc (09022015). Collection method: clinical testing. Allele origin: germline.

GeneDx
Classification: Uncertain significance. Last evaluated: 2016-04-22. Review status: criteria provided, single submitter. Criteria: GeneDx Variant Classification (06012015). Collection method: clinical testing. Allele origin: germline. Affected: yes.
Comment: This variant is denoted CDKN2A c.349G>T at the cDNA level, p.Ala117Ser (A117S) at the protein level, and results in the change of an Alanine to a Serine (GCG>TCG) in exon 2 of the p14-ARF protein. Of note, the CDKN2A gene encodes the p16 protein, and using an alternate reading frame, the p14-ARF protein as well. This variant also results in a change to the p16 transcript; however, that nucleotide substitution is silent (p.Ala102Ala) at the protein level. This variant has not, to our knowledge, been published in the literature as pathogenic or benign. CDKN2A Ala117Ser was not observed in approximately 6,500 individuals of European and African American ancestry in the NHLBI Exome Sequencing Project, suggesting it is not a common benign variant in these populations. Since Alanine and Serine differ in polarity, charge, size or other properties, this is considered a non-conservative amino acid substitution. CDKN2A Ala117Ser occurs at a position that is not conserved and is not located in a known functional domain (UniProt). In silico analyses predict that this variant is unlikely to alter protein structure or function. Based on currently available evidence, it is unclear whether CDKN2A Ala117Ser is a pathogenic or benign variant. We consider it to be a variant of uncertain significance.

NM_000077.5(CDKN2A):c.306G>T (p.Ala102=)

Gene: CDKN2A (cyclin dependent kinase inhibitor 2A; minus strand). Cytogenetic location: 9p21.3.
Variant type: single nucleotide variant.
Coding change: c.306G>T on transcript NM_000077.5; coding-DNA position 306, G replaced by T.
Protein change: p.Ala102=; no amino-acid change (alanine 102 retained).
Molecular consequence: synonymous variant (on NM_000077.6). On other transcripts: missense variant (1), 3 prime UTR variant (1).
Genome position (GRCh38, 1-based): chr9:21,971,053, C>A on the plus strand (G>T on the coding strand, the complement: CDKN2A is on the minus strand). VCF-style: chr9-21971053-C-A. GRCh37 (hg19) VCF-style: chr9-21971052-C-A.
Other names: c.306G>T, p.Ala102= (NM_000077.6, NM_001195132.2); c.153G>T, p.Ala51= (NM_001363763.2); c.349G>T, p.Ala117Ser (NM_058195.4); c.*229G>T (NM_058197.5); short protein forms A117S.
Identifiers: ClinVar variation 421033 (VCV000421033.6), dbSNP rs1064794863, ClinGen allele CA16618826.